The following is an entry in ClinVar:

NM_000214.3(JAG1):c.2350A>G (p.Asn784Asp)

Gene: JAG1 (jagged canonical Notch ligand 1; minus strand). Cytogenetic location: 20p12.2.
Variant type: single nucleotide variant.
Coding change: c.2350A>G on transcript NM_000214.3 (MANE Select); coding-DNA position 2350, A replaced by G.
Protein change: p.Asn784Asp; replaces asparagine 784 with aspartic acid.
Molecular consequence: missense variant.
Genome position (GRCh38, 1-based): chr20:10,644,379, T>C on the plus strand (A>G on the coding strand, the complement: JAG1 is on the minus strand). VCF-style: chr20-10644379-T-C. GRCh37 (hg19) VCF-style: chr20-10625027-T-C.
Other names: c.2350A>G, p.Asn784Asp (LRG_1191t1); short protein forms N784D.
Identifiers: ClinVar variation 593267 (VCV000593267.17), dbSNP rs760470297, ClinGen allele CA9764529.

ClinVar aggregate classification (germline): Conflicting classifications of pathogenicity. Review status: criteria provided, conflicting classifications (1 of 4 stars). 5 submissions from 5 submitters: Uncertain significance (2); Benign (1); Likely benign (2). Last evaluated 2025-11-11.

Conditions:
Alagille syndrome due to a JAG1 point mutation. Also called: Alagille Syndrome 1; HEPATIC DUCTULAR HYPOPLASIA, SYNDROMATIC; JAG1-Related Alagille Syndrome. Identifiers: Orphanet 261619, Orphanet 52, MedGen C1956125, MONDO:0016862, OMIM 118450.
Cardiovascular phenotype. Identifiers: MedGen CN230736.
Deafness, congenital heart defects, and posterior embryotoxon (DCHE). Identifiers: MedGen C1866053, MONDO:0060713, OMIM 617992.
Tetralogy of Fallot (TOF). Identifiers: Orphanet 3303, MedGen C0039685, MONDO:0008542, OMIM 187500, HP:0001636.
Charcot-Marie-Tooth disease, axonal, Type 2HH. Also called: CHARCOT-MARIE-TOOTH NEUROPATHY, TYPE 2HH. Identifiers: MedGen C5562003, MONDO:0030458, OMIM 619574.

Allele frequency attached by ClinVar (database versions not stated): gnomAD exomes 0.00001 and 0.00002; ExAC 0.00003; TOPMed 0.00005; gnomAD 0.00009.
gnomAD v4.1: 29 of 1,613,062 alleles (0.0018%); highest among the groups gnomAD compares: African/African-American, 0.035%; no homozygotes.

Submissions (5):

Labcorp Genetics (formerly Invitae), Labcorp
Classification: Benign for Alagille syndrome due to a JAG1 point mutation. Last evaluated: 2025-11-11. Review status: criteria provided, single submitter. Criteria: Invitae Variant Classification Sherloc (09022015). Collection method: clinical testing. Allele origin: germline.

Ambry Genetics
Classification: Uncertain significance for Cardiovascular phenotype. Last evaluated: 2024-10-24. Review status: criteria provided, single submitter. Criteria: Ambry Variant Classification Scheme 2023. Collection method: clinical testing. Allele origin: germline.
Comment: The p.N784D variant (also known as c.2350A>G), located in coding exon 19 of the JAG1 gene, results from an A to G substitution at nucleotide position 2350. The asparagine at codon 784 is replaced by aspartic acid, an amino acid with highly similar properties. This amino acid position is conserved. In addition, the in silico prediction for this alteration is inconclusive. Since supporting evidence is limited at this time, the clinical significance of this alteration remains unclear.

Fulgent Genetics
Classification: Likely benign for Alagille syndrome due to a JAG1 point mutation; Tetralogy of Fallot; Deafness, congenital heart defects, and posterior embryotoxon; Charcot-Marie-Tooth disease, axonal, Type 2HH. Last evaluated: 2024-03-20. Review status: criteria provided, single submitter. Criteria: ACMG Guidelines, 2015. Collection method: clinical testing. Allele origin: germline.

Blueprint Genetics
Classification: Likely benign. Last evaluated: 2024-02-09. Review status: criteria provided, single submitter. Criteria: ACMG Guidelines, 2015. Collection method: clinical testing. Allele origin: germline.

Eurofins Ntd Llc (ga)
Classification: Uncertain significance. Last evaluated: 2018-06-15. Review status: criteria provided, single submitter. Criteria: EGL ClinVar v180209 classification definitions. Collection method: clinical testing. Allele origin: germline. Observed: 2 variant alleles, 2 heterozygotes.